The following is an entry in ClinVar:

NM_001085458.2(CTNND1):c.2833G>T (p.Glu945Ter)

Genes: CTNND1 (catenin delta 1; plus strand), TMX2-CTNND1 (TMX2-CTNND1 readthrough (NMD candidate); plus strand). Cytogenetic location: 11q12.1.
Variant type: single nucleotide variant.
Coding change: c.2833G>T on transcript NM_001085458.2 (MANE Select); coding-DNA position 2833, G replaced by T.
Protein change: p.Glu945Ter; replaces glutamic acid 945 with a stop codon.
Molecular consequence: nonsense. On other transcripts: intron variant (13).
Genome position (GRCh38, 1-based): chr11:57,815,939, G>T. VCF-style: chr11-57815939-G-T. GRCh37 (hg19) VCF-style: chr11-57583411-G-T.
Other names: c.2752G>T, p.Glu918Ter (NM_001331.3); c.2809-358G>T (NM_001206885.2); c.2791-358G>T (NM_001085461.2, NM_001085460.2, NM_001085462.2); c.2629-358G>T (NM_001206891.2, NM_001206889.2, NM_001206888.2); c.2488-358G>T (NM_001085467.2, NM_001206890.2, NM_001085468.2 and 1 more transcripts); c.2647-358G>T (NM_001206884.2); c.2506-358G>T (NM_001085466.2); c.2815G>T, p.Glu939Ter (NM_001085459.2); and 6 more; short protein forms E817*, E838*, E844*, E864*, E885*, E891*, E918*, E939*.
Identifiers: ClinVar variation 5019956 (VCV005019956.2).

ClinVar aggregate classification (germline): Uncertain significance (1 of 4 stars; one submission).

Conditions:
Blepharocheilodontic syndrome 2 (BCDS2). Identifiers: MedGen C4540127, MONDO:0040503, OMIM 617681.

gnomAD v4.1: 10 of 1,607,298 alleles (0.00062%); highest among the groups gnomAD compares: East Asian, 0.02%; no homozygotes.

Submission:

Juno Genomics, Hangzhou Juno Genomics, Inc
Classification: Uncertain significance for Blepharocheilodontic syndrome 2. Review status: criteria provided, single submitter. Criteria: ACMG Guidelines, 2015. Collection method: clinical testing. Allele origin: germline.
Comment: Absent from controls (or at extremely low frequency if recessive) in Genome Aggregation Database.